The following is an entry in ClinVar:

ClinVar aggregate classification (germline): Likely pathogenic (1 of 4 stars; one submission).

Conditions:
Short-rib thoracic dysplasia 11 with or without polydactyly (SRTD11). Also called: SHORT-RIB THORACIC DYSPLASIA 11 WITHOUT POLYDACTYLY. Identifiers: Orphanet 474, Orphanet 93271, MedGen C3810200, MONDO:0014287, OMIM 615633.

Submission:

Wenzhou Central Hospital
Classification: Likely pathogenic for Short-rib thoracic dysplasia 11 with or without polydactyly. Last evaluated: 2025-02-28. Review status: criteria provided, single submitter. Criteria: ACMG Guidelines, 2015. Collection method: clinical testing. Allele origin: germline. Inheritance: Autosomal recessive inheritance. Affected: yes. Observed: 1 compound heterozygote.
Comment: The ultrasound findings indicate significant skeletal anomalies, with femur, tibia, fibula, humerus, ulna, and radius lengths all exhibiting reductions of 2 to 4 standard deviations (SD) from the norm. Additional findings demonstrate polydactyly (six toes on both feet and six fingers on the left hand). Preliminary diagnosis of short-rib thoracic dysplasia with or without polydactyly. CNVseq analysis revealed no copy number variations (CNVs) larger than 100 kb. The c.82_83insCA (p.Ser28Thrfs*97) variant, although previously unreported, introduces a frameshift leading to premature termination of the DYNC2I2 protein at codon 28. With a population frequency of 0 in the 1000 Genomes Project and segregation with the disease in the family, this variant is classified as likely pathogenic according to ACMG guidelines.

NM_052844.4(DYNC2I2):c.82_83insCA (p.Ser28fs)

Gene: DYNC2I2 (dynein 2 intermediate chain 2; minus strand). Cytogenetic location: 9q34.11.
Variant type: Insertion.
Coding change: c.82_83insCA on transcript NM_052844.4 (MANE Select); coding-DNA positions 82 to 83, CA inserted.
Protein change: p.Ser28fs; shifts the reading frame from serine 28.
Molecular consequence: frameshift variant.
Genome position: GRCh38 VCF-style: chr9-128656644-C-CTG. GRCh37 (hg19) VCF-style: chr9-131418923-C-CTG.
Other names: p.Ser28Thrfs*97; short protein forms S28fs.
Identifiers: ClinVar variation 3778830 (VCV003778830.1).